The following is an entry in ClinVar:

ClinVar aggregate classification (germline): Uncertain significance. Review status: criteria provided, multiple submitters, no conflicts (2 of 4 stars). 3 submissions from 3 submitters: Uncertain significance (3). Last evaluated 2025-06-16.

Conditions:
Hereditary cancer-predisposing syndrome. Also called: Neoplastic Syndromes, Hereditary; Tumor predisposition; Hereditary neoplastic syndrome; Hereditary Cancer Syndrome. Identifiers: Orphanet 140162, MedGen C0027672, MeSH D009386, MONDO:0015356.

Submissions (3):

Labcorp Genetics (formerly Invitae), Labcorp
Classification: Uncertain significance. Last evaluated: 2025-06-16. Review status: criteria provided, single submitter. Criteria: Invitae Variant Classification Sherloc (09022015). Collection method: clinical testing. Allele origin: germline.
Comment: This sequence change replaces arginine, which is basic and polar, with proline, which is neutral and non-polar, at codon 77 of the POLE protein (p.Arg77Pro). This variant is not present in population databases (gnomAD no frequency). This variant has not been reported in the literature in individuals affected with POLE-related conditions. ClinVar contains an entry for this variant (Variation ID: 3339064). Invitae Evidence Modeling of protein sequence and biophysical properties (such as structural, functional, and spatial information, amino acid conservation, physicochemical variation, residue mobility, and thermodynamic stability) indicates that this missense variant is not expected to disrupt POLE protein function with a negative predictive value of 80%. In summary, the available evidence is currently insufficient to determine the role of this variant in disease. Therefore, it has been classified as a Variant of Uncertain Significance.

Ambry Genetics
Classification: Uncertain significance for Hereditary cancer-predisposing syndrome. Last evaluated: 2024-10-14. Review status: criteria provided, single submitter. Criteria: Ambry Variant Classification Scheme 2023. Collection method: clinical testing. Allele origin: germline.
Comment: The p.R77P variant (also known as c.230G>C), located in coding exon 3 of the POLE gene, results from a G to C substitution at nucleotide position 230. The arginine at codon 77 is replaced by proline, an amino acid with dissimilar properties. This amino acid position is conserved. In addition, the in silico prediction for this alteration is inconclusive. Based on the available evidence, the clinical significance of this variant remains unclear.

Women's Health and Genetics/Laboratory Corporation of America, LabCorp
Classification: Uncertain significance. Last evaluated: 2024-07-08. Review status: criteria provided, single submitter. Criteria: LabCorp Variant Classification Summary - May 2015. Collection method: clinical testing. Allele origin: germline.
Comment: Variant summary: POLE c.230G>C (p.Arg77Pro) results in a non-conservative amino acid change in the encoded protein sequence. Three of five in-silico tools predict a benign effect of the variant on protein function. The variant was absent in 251474 control chromosomes. The available data on variant occurrences in the general population are insufficient to allow any conclusion about variant significance. To our knowledge, no occurrence of c.230G>C in individuals affected with Colorectal Cancer and no experimental evidence demonstrating its impact on protein function have been reported. No submitters have cited clinical-significance assessments for this variant to ClinVar. Based on the evidence outlined above, the variant was classified as uncertain significance.

NM_006231.4(POLE):c.230G>C (p.Arg77Pro)

Gene: POLE (DNA polymerase epsilon, catalytic subunit; minus strand). Cytogenetic location: 12q24.33.
Variant type: single nucleotide variant.
Coding change: c.230G>C on transcript NM_006231.4 (MANE Select); coding-DNA position 230, G replaced by C.
Protein change: p.Arg77Pro; replaces arginine 77 with proline.
Molecular consequence: missense variant.
Genome position (GRCh38, 1-based): chr12:132,680,662, C>G on the plus strand (G>C on the coding strand, the complement: POLE is on the minus strand). VCF-style: chr12-132680662-C-G. GRCh37 (hg19) VCF-style: chr12-133257248-C-G.
Other names: c.230G>C (NM_006231.2); short protein forms R77P.
Identifiers: ClinVar variation 3339064 (VCV003339064.3).